The following is an entry in ClinVar:

ClinVar aggregate classification (germline): Uncertain significance (1 of 4 stars; one submission).

Conditions:
Immunodeficiency 51 (IMD51). Also called: CANDIDIASIS, FAMILIAL, 5. Identifiers: Orphanet 1334, MedGen C4310803, MONDO:0013500, OMIM 613953.

Allele frequency attached by ClinVar (database versions not stated): ExAC 0.00014.

Submission:

Labcorp Genetics (formerly Invitae), Labcorp
Classification: Uncertain significance for Immunodeficiency 51. Last evaluated: 2024-02-17. Review status: criteria provided, single submitter. Criteria: Invitae Variant Classification Sherloc (09022015). Collection method: clinical testing. Allele origin: germline.
Comment: This sequence change replaces glutamic acid, which is acidic and polar, with glycine, which is neutral and non-polar, at codon 607 of the IL17RA protein (p.Glu607Gly). The frequency data for this variant in the population databases is considered unreliable, as metrics indicate poor data quality at this position in the gnomAD database. This variant has not been reported in the literature in individuals affected with IL17RA-related conditions. ClinVar contains an entry for this variant (Variation ID: 1380768). Advanced modeling of protein sequence and biophysical properties (such as structural, functional, and spatial information, amino acid conservation, physicochemical variation, residue mobility, and thermodynamic stability) performed at Invitae indicates that this missense variant is not expected to disrupt IL17RA protein function with a negative predictive value of 80%. In summary, the available evidence is currently insufficient to determine the role of this variant in disease. Therefore, it has been classified as a Variant of Uncertain Significance.

NM_014339.7(IL17RA):c.1820A>G (p.Glu607Gly)

Gene: IL17RA (interleukin 17 receptor A; plus strand). Cytogenetic location: 22q11.1.
Variant type: single nucleotide variant.
Coding change: c.1820A>G on transcript NM_014339.7 (MANE Select); coding-DNA position 1820, A replaced by G.
Protein change: p.Glu607Gly; replaces glutamic acid 607 with glycine.
Molecular consequence: missense variant.
Genome position (GRCh38, 1-based): chr22:17,109,039, A>G. VCF-style: chr22-17109039-A-G. GRCh37 (hg19) VCF-style: chr22-17589929-A-G.
Other names: c.1718A>G, p.Glu573Gly (NM_001289905.2); short protein forms E573G, E607G.
Identifiers: ClinVar variation 1380768 (VCV001380768.8), dbSNP rs764121162, ClinGen allele CA10086860.
Genomic context (GRCh38, chr22:17,109,039, plus strand): 5'-GTGAGAACCTCTACTCAGCAGATGACCAGGATGCCCCGTCCCTGGACGAAGAGGTGTTTG[A>G]GGAGCCACTGCTGCCTCCGGGAACCGGCATCGTGAAGCGGGCGCCCCTGGTGCGCGAGCC-3'
Protein context (NP_055154.3, residues 597-617): DAPSLDEEVF[Glu607Gly]EPLLPPGTGI